The following is an entry in ClinVar:

ClinVar aggregate classification (germline): Pathogenic/Likely pathogenic. Review status: criteria provided, multiple submitters, no conflicts (2 of 4 stars). 5 submissions from 5 submitters: Pathogenic (2); Likely pathogenic (3). Last evaluated 2024-01-02.

Conditions:
SCN4A-related disorder. Also called: SCN4A-related disorders.
Hyperkalemic periodic paralysis. Also called: Familial hyperkalemic periodic paralysis; Gamstorp disease. Identifiers: Orphanet 682, MedGen C0238357, MONDO:0008224, OMIM 170500, HP:0007215.

Submissions (5):

Labcorp Genetics (formerly Invitae), Labcorp
Classification: Pathogenic for Hyperkalemic periodic paralysis. Last evaluated: 2024-01-02. Review status: criteria provided, single submitter. Criteria: Invitae Variant Classification Sherloc (09022015). Collection method: clinical testing. Allele origin: germline.
Comment: This sequence change replaces methionine, which is neutral and non-polar, with threonine, which is neutral and polar, at codon 1476 of the SCN4A protein (p.Met1476Thr). This variant is not present in population databases (gnomAD no frequency). This missense change has been observed in individual(s) with paramyotonia congenita (PMID: 27060299, 32660787). It has also been observed to segregate with disease in related individuals. ClinVar contains an entry for this variant (Variation ID: 421864). Advanced modeling of protein sequence and biophysical properties (such as structural, functional, and spatial information, amino acid conservation, physicochemical variation, residue mobility, and thermodynamic stability) performed at Invitae indicates that this missense variant is expected to disrupt SCN4A protein function with a positive predictive value of 95%. This variant disrupts the p.Met1476 amino acid residue in SCN4A. Other variant(s) that disrupt this residue have been determined to be pathogenic (PMID: 17998485, 22250216). This suggests that this residue is clinically significant, and that variants that disrupt this residue are likely to be disease-causing. For these reasons, this variant has been classified as Pathogenic.

Revvity Omics, Revvity
Classification: Likely pathogenic. Last evaluated: 2021-05-26. Review status: criteria provided, single submitter. Criteria: ACMG Guidelines, 2015. Collection method: clinical testing. Allele origin: germline.

GeneDx
Classification: Likely pathogenic. Last evaluated: 2020-01-27. Review status: criteria provided, single submitter. Criteria: GeneDx Variant Classification Process June 2021. Collection method: clinical testing. Allele origin: germline. Affected: yes.
Comment: Not observed in large population cohorts (Lek et al., 2016); In silico analysis, which includes protein predictors and evolutionary conservation, supports a deleterious effect; This variant is associated with the following publications: (PMID: 27060299, 32660787)

Blueprint Genetics
Classification: Pathogenic for SCN4A-related disorders. Last evaluated: 2018-11-14. Review status: criteria provided, single submitter. Criteria: ACMG Guidelines, 2015. Collection method: clinical testing. Allele origin: germline. Affected: yes. Observed: 1 variant allele.

Center for Pediatric Genomic Medicine, Children's Mercy Hospital and Clinics
Classification: Likely pathogenic. Last evaluated: 2017-06-28. Review status: criteria provided, single submitter. Criteria: ACMG Guidelines, 2015. Collection method: clinical testing. Allele origin: germline.

Literature cited by the submitters: PubMed 27060299 (cited by Labcorp Genetics (formerly Invitae), Labcorp); PubMed 32660787 (cited by Labcorp Genetics (formerly Invitae), Labcorp); PubMed 17998485 (cited by Labcorp Genetics (formerly Invitae), Labcorp); PubMed 22250216 (cited by Labcorp Genetics (formerly Invitae), Labcorp).

NM_000334.4(SCN4A):c.4427T>C (p.Met1476Thr)

Genes: GH-LCR (growth hormone locus control region; plus strand), SCN4A (sodium voltage-gated channel alpha subunit 4; minus strand). Cytogenetic location: 17q23.3.
Variant type: single nucleotide variant.
Coding change: c.4427T>C on transcript NM_000334.4 (MANE Select); coding-DNA position 4427, T replaced by C.
Protein change: p.Met1476Thr; replaces methionine 1476 with threonine.
Molecular consequence: missense variant.
Genome position (GRCh38, 1-based): chr17:63,941,855, A>G on the plus strand (T>C on the coding strand, the complement: SCN4A is on the minus strand). VCF-style: chr17-63941855-A-G. GRCh37 (hg19) VCF-style: chr17-62019215-A-G.
Other names: short protein forms M1476T.
Identifiers: ClinVar variation 421864 (VCV000421864.20), dbSNP rs1064795409, ClinGen allele CA16620554.
Genomic context (GRCh38, chr17:63,941,855, plus strand): 5'-TAGATGAACATGACCAGGAAGAGGAGGAGGCCGATGTTGAAGAGGGCAGGCAGCGACATC[A>G]TGAGGGCGAACAGCAGCGTCCGGATGCCCTTGGCCCCGCGGATCAGCCGCAGGACACGCC-3'
Protein context (NP_000325.4, residues 1466-1486): KGIRTLLFAL[Met1476Thr]MSLPALFNIG